The following is an entry in ClinVar:

NM_017514.5(PLXNA3):c.312T>C (p.Tyr104=)

Gene: PLXNA3 (plexin A3; plus strand). Cytogenetic location: Xq28.
Variant type: single nucleotide variant.
Coding change: c.312T>C on transcript NM_017514.5 (MANE Select); coding-DNA position 312, T replaced by C.
Protein change: p.Tyr104=; no amino-acid change (tyrosine 104 retained).
Molecular consequence: synonymous variant.
Genome position (GRCh38, 1-based): chrX:154,460,495, T>C. VCF-style: chrX-154460495-T-C. GRCh37 (hg19) VCF-style: chrX-153688835-T-C.
Identifiers: ClinVar variation 3045765 (VCV003045765.2), dbSNP rs139526851, ClinGen allele CA10563657.

ClinVar aggregate classification (germline): Likely benign (0 of 4 stars; one submission).

Conditions:
PLXNA3-related disorder. Also called: PLXNA3-related condition.

Allele frequency attached by ClinVar (database versions not stated): gnomAD exomes 0.00014; 1000 Genomes Project 0.00026; 1000 Genomes Project 30x 0.00042; ExAC 0.00057; gnomAD 0.00154; ESP Exome Variant Server 0.00161; TOPMed 0.00165.

Submission:

PreventionGenetics, part of Exact Sciences
Classification: Likely benign for PLXNA3-related condition. Last evaluated: 2021-06-07. Review status: no assertion criteria provided. Collection method: clinical testing. Allele origin: germline.
Comment: This variant is classified as likely benign based on ACMG/AMP sequence variant interpretation guidelines (Richards et al. 2015 PMID: 25741868, with internal and published modifications).